The following is an entry in ClinVar:

ClinVar aggregate classification (germline): Benign. Review status: criteria provided, multiple submitters, no conflicts (2 of 4 stars). 2 submissions from 2 submitters: Benign (2). Last evaluated 2018-06-14.

Allele frequency attached by ClinVar (database versions not stated): gnomAD 0.74865 and 0.73993; 1000 Genomes Project 0.79533; 1000 Genomes Project 30x 0.78716; TOPMed 0.75102; gnomAD exomes 0.80008.

Submissions (2):

GeneDx
Classification: Benign. Last evaluated: 2018-06-14. Review status: criteria provided, single submitter. Criteria: GeneDx Variant Classification (06012015). Collection method: clinical testing. Allele origin: germline. Affected: yes.
Comment: This variant is considered likely benign or benign based on one or more of the following criteria: it is a conservative change, it occurs at a poorly conserved position in the protein, it is predicted to be benign by multiple in silico algorithms, and/or has population frequency not consistent with disease.

Breakthrough Genomics
Classification: Benign. Review status: criteria provided, single submitter. Criteria: ACMG Guidelines, 2015. Collection method: not provided. Allele origin: germline. Inheritance: Autosomal recessive inheritance. Affected: yes.

NM_206926.2(SELENON):c.1285+109A>G

Gene: SELENON (selenoprotein N; plus strand). Cytogenetic location: 1p36.11.
Variant type: single nucleotide variant.
Coding change: c.1285+109A>G on transcript NM_206926.2 (MANE Select); 109 bases into the intron after coding-DNA position 1285, A replaced by G.
Molecular consequence: intron variant.
Genome position (GRCh38, 1-based): chr1:25,812,901, A>G. VCF-style: chr1-25812901-A-G. GRCh37 (hg19) VCF-style: chr1-26139392-A-G.
Other names: c.1387+109A>G (NM_020451.3).
Identifiers: ClinVar variation 669834 (VCV000669834.2), dbSNP rs3738451, ClinGen allele CA10802537.